The following is an entry in ClinVar:

ClinVar aggregate classification (germline): Uncertain significance (1 of 4 stars; one submission).

Conditions:
Epilepsy, familial adult myoclonic, 5 (EPEO5). Also called: CORTICAL MYOCLONIC TREMOR WITH EPILEPSY, FAMILIAL, 5. Identifiers: Orphanet 86814, MedGen C3809374, MONDO:0014167, OMIM 615400.

Allele frequency attached by ClinVar (database versions not stated): ExAC 0.00001; gnomAD exomes 0.00001.
gnomAD v4.1: 5 of 1,614,092 alleles (0.00031%); highest among the groups gnomAD compares: Admixed American, 0.0017%; no homozygotes.

Submission:

Labcorp Genetics (formerly Invitae), Labcorp
Classification: Uncertain significance for Epilepsy, familial adult myoclonic, 5. Last evaluated: 2023-06-09. Review status: criteria provided, single submitter. Criteria: Invitae Variant Classification Sherloc (09022015). Collection method: clinical testing. Allele origin: germline.
Comment: In summary, the available evidence is currently insufficient to determine the role of this variant in disease. Therefore, it has been classified as a Variant of Uncertain Significance. Variants that disrupt the consensus splice site are a relatively common cause of aberrant splicing (PMID: 17576681, 9536098). Algorithms developed to predict the effect of sequence changes on RNA splicing suggest that this variant is not likely to affect RNA splicing. This variant has not been reported in the literature in individuals affected with CNTN2-related conditions. This variant is present in population databases (rs764622549, gnomAD 0.0009%). This sequence change falls in intron 13 of the CNTN2 gene. It does not directly change the encoded amino acid sequence of the CNTN2 protein. It affects a nucleotide within the consensus splice site.

Literature cited by the submitters: PubMed 17576681; PubMed 9536098.

NM_005076.5(CNTN2):c.1695+3G>A

Gene: CNTN2 (contactin 2; plus strand). Cytogenetic location: 1q32.1.
Variant type: single nucleotide variant.
Coding change: c.1695+3G>A on transcript NM_005076.5 (MANE Select); 3 bases into the intron after coding-DNA position 1695, G replaced by A.
Molecular consequence: intron variant.
Genome position (GRCh38, 1-based): chr1:205,065,265, G>A. VCF-style: chr1-205065265-G-A. GRCh37 (hg19) VCF-style: chr1-205034393-G-A.
Other names: c.1695+3G>A (NM_001346083.2).
Identifiers: ClinVar variation 2727089 (VCV002727089.3), dbSNP rs764622549, ClinGen allele CA1351450.